The following is an entry in ClinVar:

ClinVar aggregate classification (germline): Uncertain significance (1 of 4 stars; one submission).

Conditions:
Catecholaminergic polymorphic ventricular tachycardia (CVPT). Also called: Catecholamine-induced polymorphic ventricular tachycardia. Identifiers: Orphanet 3286, MedGen C5574922, MONDO:0017990.

Submission:

Labcorp Genetics (formerly Invitae), Labcorp
Classification: Uncertain significance for Catecholaminergic polymorphic ventricular tachycardia. Last evaluated: 2019-05-06. Review status: criteria provided, single submitter. Criteria: Invitae Variant Classification Sherloc (09022015). Collection method: clinical testing. Allele origin: germline.
Comment: This sequence change creates a premature translational stop signal (p.Gly385*) in the RYR2 gene. It is expected to result in an absent or disrupted protein product. This variant is not present in population databases (ExAC no frequency). This variant has not been reported in the literature in individuals with RYR2-related conditions. The current clinical and genetic evidence is not sufficient to establish whether loss-of-function variants in RYR2 cause disease. In summary, the available evidence is currently insufficient to determine the role of this variant in disease. Therefore, it has been classified as a Variant of Uncertain Significance.

NM_001035.3(RYR2):c.1153G>T (p.Gly385Ter)

Gene: RYR2 (ryanodine receptor 2; plus strand). Cytogenetic location: 1q43.
Variant type: single nucleotide variant.
Coding change: c.1153G>T on transcript NM_001035.3 (MANE Select); coding-DNA position 1153, G replaced by T.
Protein change: p.Gly385Ter; replaces glycine 385 with a stop codon.
Molecular consequence: nonsense.
Genome position (GRCh38, 1-based): chr1:237,441,466, G>T. VCF-style: chr1-237441466-G-T. GRCh37 (hg19) VCF-style: chr1-237604766-G-T.
Other names: c.1153G>T, p.Gly385Ter (LRG_402t1); short protein forms G385*.
Identifiers: ClinVar variation 463545 (VCV000463545.3), dbSNP rs1553453398, ClinGen allele CA345376628.